The following is an entry in ClinVar:

NM_000429.3(MAT1A):c.*275C>T

Genes: MAT1A (methionine adenosyltransferase 1A; minus strand), LOC126860980 (CDK7 strongly-dependent group 2 enhancer GRCh37_chr10:82032694-82033893; plus strand). Cytogenetic location: 10q22.3.
Variant type: single nucleotide variant.
Coding change: c.*275C>T on transcript NM_000429.3 (MANE Select); 275 bases downstream of the stop codon, C replaced by T.
Molecular consequence: 3 prime UTR variant.
Genome position (GRCh38, 1-based): chr10:80,273,506, G>A on the plus strand (C>T on the coding strand, the complement: MAT1A is on the minus strand). VCF-style: chr10-80273506-G-A. GRCh37 (hg19) VCF-style: chr10-82033262-G-A.
Identifiers: ClinVar variation 878668 (VCV000878668.4), dbSNP rs76913733, ClinGen allele CA210320444.

ClinVar aggregate classification (germline): Benign (1 of 4 stars; one submission).

Conditions:
Hepatic methionine adenosyltransferase deficiency. Also called: Deficiency of methionine adenosyltransferase; MAT I/III DEFICIENCY; Isolated Persistent Hypermethioninemia; Methionine adenosyltransferase deficiency. Identifiers: Orphanet 168598, MedGen C0268621, MeSH C564683, MONDO:0009607, OMIM 250850.

Allele frequency attached by ClinVar (database versions not stated): gnomAD 0.00492 and 0.00528; 1000 Genomes Project 0.00619; TOPMed 0.00647; 1000 Genomes Project 30x 0.00718.
gnomAD v4.1: 962 of 446,140 alleles (0.22%); highest among the groups gnomAD compares: African/African-American, 1.7%; 6 homozygotes.

Submission:

Illumina Laboratory Services, Illumina
Classification: Benign for Hepatic methionine adenosyltransferase deficiency. Last evaluated: 2018-01-13. Review status: criteria provided, single submitter. Criteria: ICSL Variant Classification Criteria 13 December 2019. Collection method: clinical testing. Allele origin: germline.
Comment: This variant was observed in the ICSL laboratory as part of a predisposition screen in an ostensibly healthy population. It had not been previously curated by ICSL or reported in the Human Gene Mutation Database (HGMD: prior to June 1st, 2018), and was therefore a candidate for classification through an automated scoring system. Utilizing variant allele frequency, disease prevalence and penetrance estimates, and inheritance mode, an automated score was calculated to assess if this variant is too frequent to cause the disease. Based on the score and internal cut-off values, a variant classified as benign is not then subjected to further curation. The score for this variant resulted in a classification of benign for this disease.